The following is an entry in ClinVar:

ClinVar aggregate classification (germline): Uncertain significance. Review status: criteria provided, multiple submitters, no conflicts (2 of 4 stars). 2 submissions from 2 submitters: Uncertain significance (2). Last evaluated 2025-11-23.

Conditions:
Currarino triad. Identifiers: Orphanet 1552, MedGen C1531773, MONDO:0008305, OMIM 176450.

Submissions (2):

Labcorp Genetics (formerly Invitae), Labcorp
Classification: Uncertain significance. Last evaluated: 2025-11-23. Review status: criteria provided, single submitter. Criteria: Invitae Variant Classification Sherloc (09022015). Collection method: clinical testing. Allele origin: germline.
Comment: This variant, c.138_146dup, results in the insertion of 3 amino acid(s) of the MNX1 protein (p.Gly47_Gly49dup), but otherwise preserves the integrity of the reading frame. This variant is present in population databases (no rsID available, gnomAD 0.06%). This variant has not been reported in the literature in individuals affected with MNX1-related conditions. Experimental studies and prediction algorithms are not available or were not evaluated, and the functional significance of this variant is currently unknown. In summary, the available evidence is currently insufficient to determine the role of this variant in disease. Therefore, it has been classified as a Variant of Uncertain Significance.

Fulgent Genetics
Classification: Uncertain significance for Currarino triad. Last evaluated: 2024-03-26. Review status: criteria provided, single submitter. Criteria: ACMG Guidelines, 2015. Collection method: clinical testing. Allele origin: germline.

NM_005515.4(MNX1):c.132CGG[8] (p.Gly47_Gly49dup)

Gene: MNX1 (motor neuron and pancreas homeobox 1; minus strand). Cytogenetic location: 7q36.3.
Variant type: Microsatellite.
Coding change: c.132CGG[8] on transcript NM_005515.4 (MANE Select); eight copies in a row of the 3-base unit CGG starting at c.132; the reference has five copies in a row; three copies, 9 bases duplicated; also written c.138_146dup.
Protein change: p.Gly47_Gly49dup.
Molecular consequence: inframe insertion.
Genome position (GRCh38, 1-based): chr7:157,010,205-157,010,213, CCGCCGCCG duplicated on the plus strand (CGGCGGCGG on the coding strand, the reverse complement: MNX1 is on the minus strand); duplicating any 9 consecutive bases within chr7:157,010,205-157,010,221 gives the same sequence; the position shown is the placement nearest the transcript's 3' end. VCF-style (leftmost placement, unchanged base first): chr7-157010204-C-CCCGCCGCCG. GRCh37 (hg19) VCF-style: chr7-156802898-C-CCCGCCGCCG.
Other names: c.138_146dup (NM_005515.4).
Identifiers: ClinVar variation 1359737 (VCV001359737.8), dbSNP rs781217883, ClinGen allele CA579080000.